The following continues an entry in ClinVar:

NM_007294.4(BRCA1):c.3418A>G (p.Ser1140Gly)

ClinVar aggregate classification (germline): Benign. Benign (1).

Submissions 16 to 34 of 34:

Clinical Genetics DNA and cytogenetics Diagnostics Lab, Erasmus MC, Erasmus Medical Center
Classification: Benign for Breast-ovarian cancer, familial, susceptibility to, 1. Last evaluated: 2015-09-21. Review status: criteria provided, single submitter. Criteria: ACGS Guidelines, 2013. Collection method: clinical testing. Allele origin: germline. Affected: yes. Study: VKGL Data-share Consensus. Not counted in ClinVar's aggregate classification.

Ambry Genetics
Classification: Benign for Hereditary cancer-predisposing syndrome. Last evaluated: 2014-11-18. Review status: criteria provided, single submitter. Criteria: Ambry Variant Classification Scheme 2023. Collection method: clinical testing. Allele origin: germline. Not counted in ClinVar's aggregate classification.

Color Diagnostics, LLC DBA Color Health
Classification: Benign for Hereditary cancer-predisposing syndrome. Last evaluated: 2014-11-18. Review status: criteria provided, single submitter. Criteria: ACMG Guidelines, 2015. Collection method: clinical testing. Allele origin: germline. Not counted in ClinVar's aggregate classification.

Molecular Genetics Laboratory, University of Michigan
Classification: Benign for Breast-ovarian cancer, familial, susceptibility to, 1. Last evaluated: 2014-11-03. Review status: criteria provided, single submitter. Criteria: ACMG Guidelines, 2015. Collection method: clinical testing. Allele origin: germline. Affected: yes. Not counted in ClinVar's aggregate classification.

Eurofins Ntd Llc (ga)
Classification: Benign. Last evaluated: 2014-03-03. Review status: criteria provided, single submitter. Criteria: EGL Classification Definitions 2015. Collection method: clinical testing. Allele origin: germline. Observed: 5 variant alleles, 5 heterozygotes. Not counted in ClinVar's aggregate classification.

Women's Health and Genetics/Laboratory Corporation of America, LabCorp
Classification: Benign for Hereditary breast ovarian cancer syndrome. Last evaluated: 2013-10-15. Review status: criteria provided, single submitter. Criteria: LabCorp Variant Classification Summary - May 2015. Collection method: clinical testing. Allele origin: germline. Not counted in ClinVar's aggregate classification.

Breakthrough Genomics
Classification: Benign. Review status: criteria provided, single submitter. Criteria: ACMG Guidelines, 2015. Collection method: not provided. Allele origin: germline. Inheritance: Autosomal recessive inheritance. Affected: yes. Not counted in ClinVar's aggregate classification.

BRCAlab, Lund University
Classification: Benign for Breast-ovarian cancer, familial, susceptibility to, 1. Last evaluated: 2020-03-02. Review status: no assertion criteria provided. Collection method: clinical testing. Allele origin: germline. Affected: yes. Not counted in ClinVar's aggregate classification.

True Health Diagnostics
Classification: Benign for Hereditary cancer-predisposing syndrome. Last evaluated: 2018-01-03. Review status: no assertion criteria provided. Collection method: clinical testing. Allele origin: germline. Not counted in ClinVar's aggregate classification.

Mayo Clinic Laboratories, Mayo Clinic
Classification: Benign. Last evaluated: 2017-10-09. Review status: no assertion criteria provided. Collection method: clinical testing. Allele origin: unknown. Not counted in ClinVar's aggregate classification.

Department of Medical Genetics, University Hospital of North Norway
Classification: Benign for Breast-ovarian cancer, familial, susceptibility to, 1. Last evaluated: 2016-05-01. Review status: no assertion criteria provided. Collection method: clinical testing. Allele origin: germline. Affected: no. Observed: 1 variant allele. Not counted in ClinVar's aggregate classification.

Counsyl
Classification: Likely benign for Breast-ovarian cancer, familial 1. Last evaluated: 2014-01-02. Review status: no assertion criteria provided. Collection method: literature only. Allele origin: unknown. Inheritance: Autosomal dominant inheritance. Not counted in ClinVar's aggregate classification.

ITMI
No classification provided. Condition: AllHighlyPenetrant. Last evaluated: 2013-09-19. Review status: no classification provided. Collection method: reference population. Allele origin: germline. Not counted in ClinVar's aggregate classification.
Comment: Please see associated publication for description of ethnicities

Biesecker Lab/Clinical Genomics Section, National Institutes of Health
Classification: Benign. Last evaluated: 2012-07-13. Review status: no assertion criteria provided. Collection method: research. Allele origin: germline. Affected: no. Observed: 4 variant alleles. Study: ClinSeq. Not counted in ClinVar's aggregate classification.
ClinVar note: Converted during submission from no known pathogenicity to Benign.

Breast Cancer Information Core (BIC) (BRCA1)
Classification: Uncertain significance for Breast-ovarian cancer, familial 1. Last evaluated: 2002-05-29. Review status: no assertion criteria provided. Collection method: clinical testing. Allele origin: germline. Affected: yes. Observed: 29 variant alleles. Not counted in ClinVar's aggregate classification.

Clinical Genetics Laboratory, Department of Pathology, Netherlands Cancer Institute
Classification: Benign. Review status: no assertion criteria provided. Collection method: clinical testing. Allele origin: germline. Affected: yes. Study: VKGL Data-share Consensus. Not counted in ClinVar's aggregate classification.

Department of Pathology and Laboratory Medicine, Sinai Health System
Classification: Benign. Review status: no assertion criteria provided. Collection method: clinical testing. Allele origin: unknown. Affected: yes. Observed: 3 variant alleles. Study: The Canadian Open Genetics Repository (COGR). Not counted in ClinVar's aggregate classification.
Comment: The BRCA1, c.3418A>G, p.Ser1140Gly variant has been reported in the literature in at least 18/44788 proband chromosomes of individuals with sporadic as well as high-risk breast and /or ovarian cancer. It has also been found in 4/5118 control chromosomes evaluated (Tavtigian_2006_16014699, Abkevich_2004_15235020, Johnson_2007_17341484, McKean-Cowdin_2005_15726418, Alsop_2012_22711857, Elstrodt_2006_16397213, Tazzite_2012_22425665, Velasco_2005_15937982, Soegaard_2008_18559594). It is listed in the dbSNP database (ID#: rs2227945) as coming from a clinical source with a minor allele frequency of 0.011, having been observed in 25 chromosomes (1000 genomes), increasing the likelihood that this is benign variant. It has been listed in the UMD (x14 as neutral), BIC (x29 as UV) and the CNPHI (ACMG 3) databases. In addition, in the UMD mutation database, the variant was observed to co-occur with pathogenic BRCA1 [c.2890G>T (p.Gly964X) and c.415C>T (p.Gln139X)] as well as BRCA2 [c.2092delC (p.Leu698TyrfsX32)] variants, increasing the likelihood that p.Ser1140Gly is benign. This residue is not conserved in mammals and the variant amino acid Glycine (Gly) is present in the mouse. Computational analyses (PolyPhen, SIFT, AlignGVGD) does not predict any effect on the protein function, increasing the likelihood this variant does not have functional significance. In summary, based on the above information, this variant is classified as Benign.

Genome Diagnostics Laboratory, University Medical Center Utrecht
Classification: Benign. Review status: no assertion criteria provided. Collection method: clinical testing. Allele origin: germline. Affected: yes. Study: VKGL Data-share Consensus. Not counted in ClinVar's aggregate classification.

Joint Genome Diagnostic Labs from Nijmegen and Maastricht, Radboudumc and MUMC+
Classification: Benign. Review status: no assertion criteria provided. Collection method: clinical testing. Allele origin: germline. Affected: yes. Study: VKGL Data-share Consensus. Not counted in ClinVar's aggregate classification.

Literature cited by the submitters: DOI 10.3389/fgene.2022.834265 (cited by National Health Laboratory Service, Universitas Academic Hospital and University of the Free State); PubMed 36329109 (cited by Genetics Program, Instituto Nacional de Cancer); PubMed 20104584 (cited by Illumina Laboratory Services, Illumina and Women's Health and Genetics/Laboratory Corporation of America, LabCorp); PubMed 22425665 (cited by Illumina Laboratory Services, Illumina); PubMed 22684231 (cited by Illumina Laboratory Services, Illumina); PubMed 16014699 (cited by 3 submitters); PubMed 16267036 (cited by Women's Health and Genetics/Laboratory Corporation of America, LabCorp); PubMed 21990134 (cited by Women's Health and Genetics/Laboratory Corporation of America, LabCorp and Counsyl); PubMed 17341484 (cited by Women's Health and Genetics/Laboratory Corporation of America, LabCorp and Counsyl); PubMed 23867111 (cited by Women's Health and Genetics/Laboratory Corporation of America, LabCorp); PubMed 16397213 (cited by Women's Health and Genetics/Laboratory Corporation of America, LabCorp); PubMed 16103107 (cited by Women's Health and Genetics/Laboratory Corporation of America, LabCorp); PubMed 27495310 (cited by Department of Medical Genetics, University Hospital of North Norway); PubMed 15235020 (cited by Counsyl); PubMed 15726418 (cited by Counsyl); PubMed 24728327 (cited by ITMI).